The following is an entry in ClinVar:

NM_015378.4(VPS13D):c.1342A>G (p.Thr448Ala)

Gene: VPS13D (vacuolar protein sorting 13 homolog D; plus strand). Cytogenetic location: 1p36.22.
Variant type: single nucleotide variant.
Coding change: c.1342A>G on transcript NM_015378.4 (MANE Select); coding-DNA position 1342, A replaced by G.
Protein change: p.Thr448Ala; replaces threonine 448 with alanine.
Molecular consequence: missense variant.
Genome position (GRCh38, 1-based): chr1:12,261,077, A>G. VCF-style: chr1-12261077-A-G. GRCh37 (hg19) VCF-style: chr1-12321134-A-G.
Other names: p.Thr448Ala; c.1342A>G (NM_015378.2); c.1342A>G, p.Thr448Ala (NM_018156.4); short protein forms T448A.
Identifiers: ClinVar variation 1211865 (VCV001211865.12), dbSNP rs146488112, ClinGen allele CA601491.

ClinVar aggregate classification (germline): Conflicting classifications of pathogenicity. Review status: criteria provided, conflicting classifications (1 of 4 stars). 6 submissions from 6 submitters: Uncertain significance (4); Likely benign (2). Last evaluated 2025-03-18.

Conditions:
Inborn genetic diseases. Identifiers: MedGen C0950123, MeSH D030342.
Autosomal recessive cerebellar ataxia-saccadic intrusion syndrome. Also called: VPS13D Movement Disorder; SPINOCEREBELLAR ATAXIA 24. Identifiers: Orphanet 95434, MedGen C1846492, MONDO:0011811, OMIM 607317.

Allele frequency attached by ClinVar (database versions not stated): gnomAD exomes 0.00051 and 0.00123; ExAC 0.00054; gnomAD 0.00067 and 0.00073; TOPMed 0.00068; ESP Exome Variant Server 0.00092.
gnomAD v4.1: 1,869 of 1,613,950 alleles (0.12%); highest among the groups gnomAD compares: Non-Finnish European, 0.15%; 4 homozygotes.

Submissions (6):

GeneDx
Classification: Uncertain significance. Last evaluated: 2025-03-18. Review status: criteria provided, single submitter. Criteria: GeneDx Variant Classification Process June 2021. Collection method: clinical testing. Allele origin: germline. Affected: yes.
Comment: In silico analysis supports that this missense variant does not alter protein structure/function; Has not been previously published as pathogenic or benign to our knowledge

Mayo Clinic Laboratories, Mayo Clinic
Classification: Likely benign. Last evaluated: 2025-01-28. Review status: criteria provided, single submitter. Criteria: ACMG Guidelines, 2015. Collection method: clinical testing. Allele origin: germline. Observed: 2 variant alleles.
Comment: BS2, BP4_moderate

Blueprint Genetics
Classification: Likely benign. Last evaluated: 2024-11-07. Review status: criteria provided, single submitter. Criteria: ACMG Guidelines, 2015. Collection method: clinical testing. Allele origin: germline.

Ambry Genetics
Classification: Uncertain significance for Inborn genetic diseases. Last evaluated: 2023-12-06. Review status: criteria provided, single submitter. Criteria: Ambry Variant Classification Scheme 2023. Collection method: clinical testing. Allele origin: germline.

Labcorp Genetics (formerly Invitae), Labcorp
Classification: Uncertain significance. Last evaluated: 2023-10-30. Review status: criteria provided, single submitter. Criteria: Invitae Variant Classification Sherloc (09022015). Collection method: clinical testing. Allele origin: germline.
Comment: This sequence change replaces threonine, which is neutral and polar, with alanine, which is neutral and non-polar, at codon 448 of the VPS13D protein (p.Thr448Ala). This variant is present in population databases (rs146488112, gnomAD 0.1%), and has an allele count higher than expected for a pathogenic variant. This variant has not been reported in the literature in individuals affected with VPS13D-related conditions. ClinVar contains an entry for this variant (Variation ID: 1211865). Advanced modeling of protein sequence and biophysical properties (such as structural, functional, and spatial information, amino acid conservation, physicochemical variation, residue mobility, and thermodynamic stability) performed at Invitae indicates that this missense variant is not expected to disrupt VPS13D protein function with a negative predictive value of 80%. In summary, the available evidence is currently insufficient to determine the role of this variant in disease. Therefore, it has been classified as a Variant of Uncertain Significance.

Molecular Genetics, Royal Melbourne Hospital
Classification: Uncertain significance for Autosomal recessive cerebellar ataxia-saccadic intrusion syndrome. Last evaluated: 2021-05-12. Review status: criteria provided, single submitter. Criteria: ACMG Guidelines, 2015. Collection method: clinical testing. Allele origin: germline.
Comment: This sequence change is predicted to replace threonine with alanine at codon 448 of the VPS13D protein (p.(Thr448Ala)). The threonine residue is weakly conserved (100 vertebrates, UCSC), and is not located in a known functional domain. There is a small physicochemical difference between threonine and alanine. The variant is present in a large population cohort at a frequency of 0.05% (rs146488112, 145/282,612 alleles, 0 homozygotes in gnomAD v2.1), and has been reported as likely benign (LOVD). Multiple lines of computational evidence predict a benign effect for the missense substitution (3/3 algorithms). Based on the classification scheme RMH Modified ACMG Guidelines v1.3.2, this variant is classified as a VARIANT OF UNCERTAIN SIGNIFICANCE. Following criteria are met: BP4.